The following is an entry in ClinVar:

ClinVar aggregate classification (germline): Conflicting classifications of pathogenicity. Review status: criteria provided, conflicting classifications (1 of 4 stars). 2 submissions from 2 submitters: Uncertain significance (1); Likely benign (1). Last evaluated 2024-05-30.

Conditions:
Inborn genetic diseases. Identifiers: MedGen C0950123, MeSH D030342.

Allele frequency attached by ClinVar (database versions not stated): gnomAD 0.00002; TOPMed 0.00004.

Submissions (2):

Ambry Genetics
Classification: Likely benign for Inborn genetic diseases. Last evaluated: 2024-05-30. Review status: criteria provided, single submitter. Criteria: Ambry Variant Classification Scheme 2023. Collection method: clinical testing. Allele origin: germline.

Labcorp Genetics (formerly Invitae), Labcorp
Classification: Uncertain significance. Last evaluated: 2022-11-01. Review status: criteria provided, single submitter. Criteria: Invitae Variant Classification Sherloc (09022015). Collection method: clinical testing. Allele origin: germline.
Comment: This sequence change replaces proline, which is neutral and non-polar, with leucine, which is neutral and non-polar, at codon 1420 of the GPR179 protein (p.Pro1420Leu). This variant is not present in population databases (gnomAD no frequency). This variant has not been reported in the literature in individuals affected with GPR179-related conditions. Algorithms developed to predict the effect of missense changes on protein structure and function output the following: SIFT: "Tolerated"; PolyPhen-2: "Benign"; Align-GVGD: "Class C0". The leucine amino acid residue is found in multiple mammalian species, which suggests that this missense change does not adversely affect protein function. In summary, the available evidence is currently insufficient to determine the role of this variant in disease. Therefore, it has been classified as a Variant of Uncertain Significance.

NM_001004334.4(GPR179):c.4259C>T (p.Pro1420Leu)

Gene: GPR179 (G protein-coupled receptor 179; minus strand). Cytogenetic location: 17q12.
Variant type: single nucleotide variant.
Coding change: c.4259C>T on transcript NM_001004334.4 (MANE Select); coding-DNA position 4259, C replaced by T.
Protein change: p.Pro1420Leu; replaces proline 1420 with leucine.
Molecular consequence: missense variant.
Genome position (GRCh38, 1-based): chr17:38,329,310, G>A on the plus strand (C>T on the coding strand, the complement: GPR179 is on the minus strand). VCF-style: chr17-38329310-G-A. GRCh37 (hg19) VCF-style: chr17-36485193-G-A.
Other names: c.4259C>T (NM_001004334.2); short protein forms P1420L.
Identifiers: ClinVar variation 1910125 (VCV001910125.3), dbSNP rs1243092519, ClinGen allele CA398877259.